The following is an entry in ClinVar:

NM_001855.5(COL15A1):c.1762-9T>C

Gene: COL15A1 (collagen type XV alpha 1 chain; plus strand). Cytogenetic location: 9q22.33.
Variant type: single nucleotide variant.
Coding change: c.1762-9T>C on transcript NM_001855.5 (MANE Select); 9 bases into the intron before coding-DNA position 1762, T replaced by C.
Molecular consequence: intron variant.
Genome position (GRCh38, 1-based): chr9:99,023,348, T>C. VCF-style: chr9-99023348-T-C. GRCh37 (hg19) VCF-style: chr9-101785630-T-C.
Identifiers: ClinVar variation 3046964 (VCV003046964.2), dbSNP rs369198993, ClinGen allele CA5155056.
Genomic context (GRCh38, chr9:99,023,348, plus strand): 5'-CTCAGTGACGTGGCTGTCCTTGGAGTCTGGCAGTTAAATGCAAGTAGTGGAAATTTCTTC[T>C]CTTTCCAGGCAGGAGCAGAAGCAGAGGGCTCTGGCCTAGGCTGGGGCTCGGACGTCGGCT-3'

ClinVar aggregate classification (germline): Likely benign (0 of 4 stars; one submission).

Conditions:
COL15A1-related disorder. Also called: COL15A1-related condition.

Allele frequency attached by ClinVar (database versions not stated): ESP Exome Variant Server 0.00015; TOPMed 0.00020.
gnomAD v4.1: 318 of 1,589,608 alleles (0.02%); highest among the groups gnomAD compares: South Asian, 0.03%; 2 homozygotes.

Submission:

PreventionGenetics, part of Exact Sciences
Classification: Likely benign for COL15A1-related condition. Last evaluated: 2019-03-08. Review status: no assertion criteria provided. Collection method: clinical testing. Allele origin: germline.
Comment: This variant is classified as likely benign based on ACMG/AMP sequence variant interpretation guidelines (Richards et al. 2015 PMID: 25741868, with internal and published modifications).